The following is an entry in ClinVar:

NM_001024630.4(RUNX2):c.925C>T (p.Gln309Ter)

Gene: RUNX2 (RUNX family transcription factor 2; plus strand). Cytogenetic location: 6p21.1.
Variant type: single nucleotide variant.
Coding change: c.925C>T on transcript NM_001024630.4 (MANE Select); coding-DNA position 925, C replaced by T.
Protein change: p.Gln309Ter; replaces glutamine 309 with a stop codon.
Molecular consequence: nonsense.
Genome position (GRCh38, 1-based): chr6:45,512,311, C>T. VCF-style: chr6-45512311-C-T. GRCh37 (hg19) VCF-style: chr6-45480048-C-T.
Other names: c.925C>T (NM_001024630.3); c.925C>T, p.Gln309Ter (NM_001015051.4); c.883C>T, p.Gln295Ter (NM_001278478.2, NM_001369405.1, NM_004348.3); short protein forms Q309*, Q295*.
Identifiers: ClinVar variation 2853483 (VCV002853483.4), dbSNP rs2548650342, ClinGen allele CA363955964.

ClinVar aggregate classification (germline): Pathogenic. Review status: criteria provided, single submitter (1 of 4 stars). 2 submissions from 2 submitters: Pathogenic (1). 1 of the submissions does not count toward it. Last evaluated 2023-04-07.

Conditions:
RUNX2-related disorder. Also called: RUNX2-related condition.

Submissions (2):

Labcorp Genetics (formerly Invitae), Labcorp
Classification: Pathogenic. Last evaluated: 2023-04-07. Review status: criteria provided, single submitter. Criteria: Invitae Variant Classification Sherloc (09022015). Collection method: clinical testing. Allele origin: germline.
Comment: For these reasons, this variant has been classified as Pathogenic. This variant has not been reported in the literature in individuals affected with RUNX2-related conditions. This variant is not present in population databases (gnomAD no frequency). This sequence change creates a premature translational stop signal (p.Gln309*) in the RUNX2 gene. It is expected to result in an absent or disrupted protein product. Loss-of-function variants in RUNX2 are known to be pathogenic (PMID: 10521292, 11857736).

PreventionGenetics, part of Exact Sciences
Classification: Pathogenic for RUNX2-related condition. Last evaluated: 2024-09-06. Review status: no assertion criteria provided. Collection method: clinical testing. Allele origin: germline. Not counted in ClinVar's aggregate classification.
Comment: The RUNX2 c.925C>T variant is predicted to result in premature protein termination (p.Gln309*). This variant has been reported as de novo variant in one individual with cleidocranial dysplasia (Cissé et al. 2024. PubMed ID: 38415192). This variant has not been reported in a large population database, indicating this variant is rare. Nonsense variants in RUNX2 are expected to be pathogenic. This variant is interpreted as pathogenic.

Literature cited by the submitters: PubMed 10521292 (cited by Labcorp Genetics (formerly Invitae), Labcorp); PubMed 11857736 (cited by Labcorp Genetics (formerly Invitae), Labcorp).